The following is an entry in ClinVar:

ClinVar aggregate classification (germline): Uncertain significance (1 of 4 stars; one submission).

Conditions:
KBG syndrome (KBGS). Also called: ANKRD11-Related KBG Syndrome. Identifiers: Orphanet 2332, MedGen C0220687, MONDO:0007846, OMIM 148050.

gnomAD v4.1: 14 of 1,612,392 alleles (0.00087%); highest among the groups gnomAD compares: Middle Eastern, 0.016%; no homozygotes.

Submission:

Labcorp Genetics (formerly Invitae), Labcorp
Classification: Uncertain significance for KBG syndrome. Last evaluated: 2025-06-15. Review status: criteria provided, single submitter. Criteria: Invitae Variant Classification Sherloc (09022015). Collection method: clinical testing. Allele origin: germline.
Comment: This sequence change replaces proline, which is neutral and non-polar, with leucine, which is neutral and non-polar, at codon 1926 of the ANKRD11 protein (p.Pro1926Leu). This variant is present in population databases (rs778991139, gnomAD 0.01%). This variant has not been reported in the literature in individuals affected with ANKRD11-related conditions. Invitae Evidence Modeling of protein sequence and biophysical properties (such as structural, functional, and spatial information, amino acid conservation, physicochemical variation, residue mobility, and thermodynamic stability) indicates that this missense variant is not expected to disrupt ANKRD11 protein function with a negative predictive value of 95%. In summary, the available evidence is currently insufficient to determine the role of this variant in disease. Therefore, it has been classified as a Variant of Uncertain Significance.

NM_013275.6(ANKRD11):c.5777C>T (p.Pro1926Leu)

Gene: ANKRD11 (ankyrin repeat domain 11; minus strand). Cytogenetic location: 16q24.3.
Variant type: single nucleotide variant.
Coding change: c.5777C>T on transcript NM_013275.6 (MANE Select); coding-DNA position 5777, C replaced by T.
Protein change: p.Pro1926Leu; replaces proline 1926 with leucine.
Molecular consequence: missense variant.
Genome position (GRCh38, 1-based): chr16:89,280,765, G>A on the plus strand (C>T on the coding strand, the complement: ANKRD11 is on the minus strand). VCF-style: chr16-89280765-G-A. GRCh37 (hg19) VCF-style: chr16-89347173-G-A.
Other names: c.5777C>T, p.Pro1926Leu (NM_001256182.2, NM_001256183.2); short protein forms P1926L.
Identifiers: ClinVar variation 4810096 (VCV004810096.1).
Genomic context (GRCh38, chr16:89,280,765, plus strand): 5'-TCCTCGGTGATGACGGCGCTGAAGGGACCCTCGTCCAGCGGCTCCAGGTAGCTGGGCTCC[G>A]GGGGGATGATGGCGGCCGTCGCCTGCTGGTCCTCGGAGGTGTCCAGGTCCGGGGGAAGGG-3'
Protein context (NP_037407.4, residues 1916-1936): DQQATAAIIP[Pro1926Leu]EPSYLEPLDE